The following is an entry in ClinVar:

ClinVar aggregate classification (germline): Likely benign (1 of 4 stars; one submission).

gnomAD v4.1: 137 of 1,210,225 alleles (0.011%); highest among the groups gnomAD compares: South Asian, 0.23%; no homozygotes.

Submission:

CeGaT Center for Human Genetics Tuebingen
Classification: Likely benign. Last evaluated: 2026-07-01. Review status: criteria provided, single submitter. Criteria: CeGaT Center For Human Genetics Tuebingen Variant Classification Criteria Version 2. Collection method: clinical testing. Allele origin: germline. Affected: yes. Observed: 1 variant allele.
Comment: WNK3: BP4, BS2

NM_020922.5(WNK3):c.5027A>G (p.Gln1676Arg)

Gene: WNK3 (WNK lysine deficient protein kinase 3; minus strand). Cytogenetic location: Xp11.22.
Variant type: single nucleotide variant.
Coding change: c.5027A>G on transcript NM_020922.5 (MANE Select); coding-DNA position 5027, A replaced by G.
Protein change: p.Gln1676Arg; replaces glutamine 1676 with arginine.
Molecular consequence: missense variant.
Genome position (GRCh38, 1-based): chrX:54,202,037, T>C on the plus strand (A>G on the coding strand, the complement: WNK3 is on the minus strand). VCF-style: chrX-54202037-T-C. GRCh37 (hg19) VCF-style: chrX-54228470-T-C.
Other names: c.4856A>G, p.Gln1619Arg (NM_001002838.4, NM_001395166.1); short protein forms Q1619R, Q1676R.
Identifiers: ClinVar variation 5039473 (VCV005039473.1).